The following is an entry in ClinVar:

NM_000520.6(HEXA):c.173G>T (p.Cys58Phe)

Gene: HEXA (hexosaminidase subunit alpha; minus strand). Cytogenetic location: 15q23.
Variant type: single nucleotide variant.
Coding change: c.173G>T on transcript NM_000520.6 (MANE Select); coding-DNA position 173, G replaced by T.
Protein change: p.Cys58Phe; replaces cysteine 58 with phenylalanine.
Molecular consequence: missense variant. On other transcripts: non-coding transcript variant (1).
Genome position (GRCh38, 1-based): chr15:72,375,800, C>A on the plus strand (G>T on the coding strand, the complement: HEXA is on the minus strand). VCF-style: chr15-72375800-C-A. GRCh37 (hg19) VCF-style: chr15-72668141-C-A.
Other names: c.173G>T, p.Cys58Phe (NM_001318825.2); short protein forms C58F.
Identifiers: ClinVar variation 3251322 (VCV003251322.1), dbSNP rs387906949.

ClinVar aggregate classification (germline): Uncertain significance (1 of 4 stars; one submission).

Allele frequency attached by ClinVar (database versions not stated): ExAC 0.00001; gnomAD 0.00001; gnomAD exomes 0.00001.
gnomAD v4.1: 5 of 1,614,108 alleles (0.00031%); highest among the groups gnomAD compares: Non-Finnish European, 0.00042%; no homozygotes.

Submission:

Women's Health and Genetics/Laboratory Corporation of America, LabCorp
Classification: Uncertain significance. Last evaluated: 2024-04-12. Review status: criteria provided, single submitter. Criteria: LabCorp Variant Classification Summary - May 2015. Collection method: clinical testing. Allele origin: germline.
Comment: Variant summary: HEXA c.173G>T (p.Cys58Phe) results in a non-conservative amino acid change located in the Beta-hexosaminidase, eukaryotic type, N-terminal (IPR015883) of the encoded protein sequence. Five of five in-silico tools predict a damaging effect of the variant on protein function. The variant allele was found at a frequency of 8e-06 in 251390 control chromosomes. The available data on variant occurrences in the general population are insufficient to allow any conclusion about variant significance. To our knowledge, no occurrence of c.173G>T in individuals affected with Tay-Sachs Disease and no experimental evidence demonstrating its impact on protein function have been reported. No submitters have cited clinical-significance assessments for this variant to ClinVar. Based on the evidence outlined above, the variant was classified as uncertain significance.